The following is an entry in ClinVar:

ClinVar aggregate classification (germline): Benign/Likely benign. Review status: criteria provided, multiple submitters, no conflicts (2 of 4 stars). 3 submissions from 3 submitters: Benign (1); Likely benign (2). Last evaluated 2023-04-14.

Allele frequency attached by ClinVar (database versions not stated): 1000 Genomes Project 30x 0.00750; 1000 Genomes Project 0.00779; ESP Exome Variant Server 0.01922; gnomAD 0.01746 and 0.01795; gnomAD exomes 0.01783 and 0.02448; TOPMed 0.01608; ExAC 0.01796.
gnomAD v4.1: 38,026 of 1,612,256 alleles (2.4%); highest among the groups gnomAD compares: Non-Finnish European, 2.8%; 556 homozygotes.

Submissions (3):

Mayo Clinic Laboratories, Mayo Clinic
Classification: Benign. Last evaluated: 2023-04-14. Review status: criteria provided, single submitter. Criteria: ACMG Guidelines, 2015. Collection method: clinical testing. Allele origin: germline. Observed: 25 variant alleles.
Comment: BS1, BS2, BP4

GeneDx
Classification: Likely benign. Last evaluated: 2018-12-07. Review status: criteria provided, single submitter. Criteria: GeneDx Variant Classification Process June 2021. Collection method: clinical testing. Allele origin: germline. Affected: yes.

Breakthrough Genomics
Classification: Likely benign. Review status: criteria provided, single submitter. Criteria: ACMG Guidelines, 2015. Collection method: not provided. Allele origin: germline. Inheritance: Autosomal dominant inheritance. Affected: yes.

NM_022893.4(BCL11A):c.525C>T (p.Cys175=)

Gene: BCL11A (BCL11 transcription factor A; minus strand). Cytogenetic location: 2p16.1.
Variant type: single nucleotide variant.
Coding change: c.525C>T on transcript NM_022893.4 (MANE Select); coding-DNA position 525, C replaced by T.
Protein change: p.Cys175=; no amino-acid change (cysteine 175 retained).
Molecular consequence: synonymous variant.
Genome position (GRCh38, 1-based): chr2:60,462,387, G>A on the plus strand (C>T on the coding strand, the complement: BCL11A is on the minus strand). VCF-style: chr2-60462387-G-A. GRCh37 (hg19) VCF-style: chr2-60689522-G-A.
Other names: p.Cys175=; c.423C>T, p.Cys141= (NM_001363864.1, NM_001365609.1); c.525C>T, p.Cys175= (NM_018014.4, NM_138559.2).
Identifiers: ClinVar variation 1211657 (VCV001211657.5), dbSNP rs61748090, ClinGen allele CA1671228.
Genomic context (GRCh38, chr2:60,462,387, plus strand): 5'-TAATCCATGAGTGTTCTGTGCGTGTTGCAAGAGAAACCATGCACTGGTGAATGGCTGTTT[G>A]CAAGTTGTACATGTGTAGCTGCTGGGCTCATCTTTACCTGCAAAATAATACAACACCAAC-3'
Protein context (NP_075044.2, residues 165-185): DEPSSYTCTT[Cys175=]KQPFTSAWFL